The following is an entry in ClinVar:

NM_000557.5(GDF5):c.1333A>C (p.Asn445His)

Genes: GDF5 (growth differentiation factor 5; minus strand), GDF5-AS1 (GDF5 antisense RNA 1; plus strand). Cytogenetic location: 20q11.22.
Variant type: single nucleotide variant.
Coding change: c.1333A>C on transcript NM_000557.5 (MANE Select); coding-DNA position 1333, A replaced by C.
Protein change: p.Asn445His; replaces asparagine 445 with histidine.
Molecular consequence: missense variant. On other transcripts: non-coding transcript variant (1).
Genome position (GRCh38, 1-based): chr20:35,434,082, T>G on the plus strand (A>C on the coding strand, the complement: GDF5 is on the minus strand). VCF-style: chr20-35434082-T-G. GRCh37 (hg19) VCF-style: chr20-34021880-T-G.
Other names: c.1333A>C, p.Asn445His (NM_001319138.2); short protein forms N445H.
Identifiers: ClinVar variation 1676451 (VCV001676451.6), dbSNP rs2146578449, ClinGen allele CA408738362.

ClinVar aggregate classification (germline): Uncertain significance. Review status: criteria provided, multiple submitters, no conflicts (2 of 4 stars). 2 submissions from 2 submitters: Uncertain significance (2). Last evaluated 2023-11-16.

Submissions (2):

Labcorp Genetics (formerly Invitae), Labcorp
Classification: Uncertain significance. Last evaluated: 2023-11-16. Review status: criteria provided, single submitter. Criteria: Invitae Variant Classification Sherloc (09022015). Collection method: clinical testing. Allele origin: germline.
Comment: This sequence change replaces asparagine, which is neutral and polar, with histidine, which is basic and polar, at codon 445 of the GDF5 protein (p.Asn445His). This variant is not present in population databases (gnomAD no frequency). This variant has not been reported in the literature in individuals affected with GDF5-related conditions. ClinVar contains an entry for this variant (Variation ID: 1676451). Advanced modeling of protein sequence and biophysical properties (such as structural, functional, and spatial information, amino acid conservation, physicochemical variation, residue mobility, and thermodynamic stability) has been performed at Invitae for this missense variant, however the output from this modeling did not meet the statistical confidence thresholds required to predict the impact of this variant on GDF5 protein function. In summary, the available evidence is currently insufficient to determine the role of this variant in disease. Therefore, it has been classified as a Variant of Uncertain Significance.

Greenwood Genetic Center Diagnostic Laboratories, Greenwood Genetic Center
Classification: Uncertain significance. Last evaluated: 2022-02-21. Review status: criteria provided, single submitter. Criteria: ACMG Guidelines, 2015. Collection method: clinical testing. Allele origin: germline. Affected: yes.
Comment: PM2, PM5, PP3